The following is an entry in ClinVar:

ClinVar aggregate classification (germline): Uncertain significance (1 of 4 stars; one submission).

Submission:

Labcorp Genetics (formerly Invitae), Labcorp
Classification: Uncertain significance. Last evaluated: 2022-02-20. Review status: criteria provided, single submitter. Criteria: Invitae Variant Classification Sherloc (09022015). Collection method: clinical testing. Allele origin: germline.
Comment: In summary, the available evidence is currently insufficient to determine the role of this variant in disease. Therefore, it has been classified as a Variant of Uncertain Significance. Algorithms developed to predict the effect of missense changes on protein structure and function are either unavailable or do not agree on the potential impact of this missense change (SIFT: "Not Available"; PolyPhen-2: "Probably Damaging"; Align-GVGD: "Not Available"). This variant has not been reported in the literature in individuals affected with VPS13D-related conditions. This variant is not present in population databases (gnomAD no frequency). This sequence change replaces proline, which is neutral and non-polar, with leucine, which is neutral and non-polar, at codon 2845 of the VPS13D protein (p.Pro2845Leu).

NM_015378.4(VPS13D):c.8534C>T (p.Pro2845Leu)

Gene: VPS13D (vacuolar protein sorting 13 homolog D; plus strand). Cytogenetic location: 1p36.22.
Variant type: single nucleotide variant.
Coding change: c.8534C>T on transcript NM_015378.4 (MANE Select); coding-DNA position 8534, C replaced by T.
Protein change: p.Pro2845Leu; replaces proline 2845 with leucine.
Molecular consequence: missense variant.
Genome position (GRCh38, 1-based): chr1:12,335,810, C>T. VCF-style: chr1-12335810-C-T. GRCh37 (hg19) VCF-style: chr1-12395867-C-T.
Other names: c.8534C>T, p.Pro2845Leu (NM_018156.4); short protein forms P2845L.
Identifiers: ClinVar variation 2100009 (VCV002100009.4), dbSNP rs2524292124, ClinGen allele CA338488071.